The following is an entry in ClinVar:

ClinVar aggregate classification (germline): Uncertain significance (1 of 4 stars; one submission).

Submission:

GeneDx
Classification: Uncertain significance. Last evaluated: 2024-07-30. Review status: criteria provided, single submitter. Criteria: GeneDx Variant Classification Process June 2021. Collection method: clinical testing. Allele origin: germline. Affected: yes.
Comment: Not observed at significant frequency in large population cohorts (gnomAD); In silico analysis supports that this missense variant has a deleterious effect on protein structure/function; Has not been previously published as pathogenic or benign to our knowledge

NM_001448.3(GPC4):c.792G>C (p.Lys264Asn)

Gene: GPC4 (glypican 4; minus strand). Cytogenetic location: Xq26.2.
Variant type: single nucleotide variant.
Coding change: c.792G>C on transcript NM_001448.3 (MANE Select); coding-DNA position 792, G replaced by C.
Protein change: p.Lys264Asn; replaces lysine 264 with asparagine.
Molecular consequence: missense variant.
Genome position (GRCh38, 1-based): chrX:133,311,343, C>G on the plus strand (G>C on the coding strand, the complement: GPC4 is on the minus strand). VCF-style: chrX-133311343-C-G. GRCh37 (hg19) VCF-style: chrX-132445371-C-G.
Other names: short protein forms K264N.
Identifiers: ClinVar variation 3602392 (VCV003602392.1).